The following is an entry in ClinVar:

ClinVar aggregate classification (germline): Uncertain significance (1 of 4 stars; one submission).

Conditions:
Microphthalmia with brain and digit anomalies (MCOPS6). Also called: Microphthalmia, syndromic 6; MICROPHTHALMIA AND PITUITARY ANOMALIES. Identifiers: Orphanet 139471, MedGen C1864689, MONDO:0011936, OMIM 607932.
Orofacial cleft 11 (OFC11). Also called: Orofacial cleft 11; ofc11; CLEFT LIP WITH OR WITHOUT CLEFT PALATE, NONSYNDROMIC, 11. Identifiers: MedGen C2677434, MONDO:0010906, OMIM 600625.

Allele frequency attached by ClinVar (database versions not stated): gnomAD exomes below 0.00001; TOPMed 0.00001.
gnomAD v4.1: 3 of 1,614,100 alleles (0.00019%); highest among the groups gnomAD compares: Admixed American, 0.0033%; no homozygotes.

Submission:

Labcorp Genetics (formerly Invitae), Labcorp
Classification: Uncertain significance for Microphthalmia with brain and digit anomalies; Orofacial cleft 11. Last evaluated: 2023-09-21. Review status: criteria provided, single submitter. Criteria: Invitae Variant Classification Sherloc (09022015). Collection method: clinical testing. Allele origin: germline.
Comment: Advanced modeling of protein sequence and biophysical properties (such as structural, functional, and spatial information, amino acid conservation, physicochemical variation, residue mobility, and thermodynamic stability) performed at Invitae indicates that this missense variant is not expected to disrupt BMP4 protein function. In summary, the available evidence is currently insufficient to determine the role of this variant in disease. Therefore, it has been classified as a Variant of Uncertain Significance. ClinVar contains an entry for this variant (Variation ID: 2167153). This variant is present in population databases (no rsID available, gnomAD 0.006%). This variant has not been reported in the literature in individuals affected with BMP4-related conditions. This sequence change replaces histidine, which is basic and polar, with tyrosine, which is neutral and polar, at codon 348 of the BMP4 protein (p.His348Tyr).

NM_001202.6(BMP4):c.1042C>T (p.His348Tyr)

Gene: BMP4 (bone morphogenetic protein 4; minus strand). Cytogenetic location: 14q22.2.
Variant type: single nucleotide variant.
Coding change: c.1042C>T on transcript NM_001202.6 (MANE Select); coding-DNA position 1042, C replaced by T.
Protein change: p.His348Tyr; replaces histidine 348 with tyrosine.
Molecular consequence: missense variant.
Genome position (GRCh38, 1-based): chr14:53,950,217, G>A on the plus strand (C>T on the coding strand, the complement: BMP4 is on the minus strand). VCF-style: chr14-53950217-G-A. GRCh37 (hg19) VCF-style: chr14-54416935-G-A.
Other names: c.1183C>T, p.His395Tyr (NM_001347912.1); c.853C>T, p.His285Tyr (NM_001347913.2, NM_001347915.2, NM_001347917.1); c.1042C>T, p.His348Tyr (NM_001347914.2, NM_001347916.1, NM_130850.5 and 1 more transcripts); short protein forms H395Y, H285Y, H348Y.
Identifiers: ClinVar variation 2167153 (VCV002167153.4), dbSNP rs1213342000, ClinGen allele CA389783409.